The following is an entry in ClinVar:

ClinVar aggregate classification (germline): Benign. Review status: criteria provided, multiple submitters, no conflicts (2 of 4 stars). 2 submissions from 2 submitters: Benign (2). Last evaluated 2019-12-31.

Conditions:
Long QT syndrome (LQTS). Identifiers: MedGen C0023976, MeSH D008133, MONDO:0002442. Disease mechanism: loss of function. Inheritance: Various modes of inheritance.

Allele frequency attached by ClinVar (database versions not stated): gnomAD exomes 0.15012; gnomAD 0.16775; 1000 Genomes Project 30x 0.17114; 1000 Genomes Project 0.19649.
gnomAD v4.1: 112,061 of 733,204 alleles (15%); highest among the groups gnomAD compares: East Asian, 25%; 8,639 homozygotes.

Submissions (2):

Labcorp Genetics (formerly Invitae), Labcorp
Classification: Benign for Long QT syndrome. Last evaluated: 2019-12-31. Review status: criteria provided, single submitter. Criteria: Invitae Variant Classification Sherloc (09022015). Collection method: clinical testing. Allele origin: germline.

GeneDx
Classification: Benign. Last evaluated: 2018-06-14. Review status: criteria provided, single submitter. Criteria: GeneDx Variant Classification (06012015). Collection method: clinical testing. Allele origin: germline. Affected: yes.
Comment: This variant is considered likely benign or benign based on one or more of the following criteria: it is a conservative change, it occurs at a poorly conserved position in the protein, it is predicted to be benign by multiple in silico algorithms, and/or has population frequency not consistent with disease.

NM_000719.7(CACNA1C):c.5574-111T>G

Genes: CACNA1C (calcium voltage-gated channel subunit alpha1 C; plus strand), CACNA1C-AS1 (CACNA1C antisense RNA 1; minus strand). Cytogenetic location: 12p13.33.
Variant type: single nucleotide variant.
Coding change: c.5574-111T>G on transcript NM_000719.7 (MANE Select); 111 bases into the intron before coding-DNA position 5574, T replaced by G.
Molecular consequence: intron variant.
Genome position (GRCh38, 1-based): chr12:2,685,625, T>G. VCF-style: chr12-2685625-T-G. GRCh37 (hg19) VCF-style: chr12-2794791-T-G.
Other names: c.5679-111T>G (NM_001167624.3, NM_001129830.3); c.5574-111T>G (NM_001167623.2, NM_001129840.2, NM_001129842.2 and 2 more transcripts); c.5754-111T>G (NM_001167625.2); c.5823-111T>G (NM_199460.4); c.5718-111T>G (NM_001129827.2); c.5634-111T>G (NM_001129832.2); c.5658-111T>G (NM_001129831.2); c.5631-111T>G (NM_001129833.2, NM_001129834.2, NM_001129835.2); and 6 more.
Identifiers: ClinVar variation 671919 (VCV000671919.5), dbSNP rs11062315, ClinGen allele CA13577144.